The following is an entry in ClinVar:

NM_001080.3(ALDH5A1):c.826C>G (p.Leu276Val)

Gene: ALDH5A1 (aldehyde dehydrogenase 5 family member A1; plus strand). Cytogenetic location: 6p22.3.
Variant type: single nucleotide variant.
Coding change: c.826C>G on transcript NM_001080.3 (MANE Select); coding-DNA position 826, C replaced by G.
Protein change: p.Leu276Val; replaces leucine 276 with valine.
Molecular consequence: missense variant. On other transcripts: intron variant (1).
Genome position (GRCh38, 1-based): chr6:24,515,266, C>G. VCF-style: chr6-24515266-C-G. GRCh37 (hg19) VCF-style: chr6-24515494-C-G.
Other names: c.865C>G, p.Leu289Val (NM_170740.1); c.727-5135C>G (NM_001368954.1); short protein forms L276V, L289V.
Identifiers: ClinVar variation 2127631 (VCV002127631.4), dbSNP rs754957668, ClinGen allele CA362971964.

ClinVar aggregate classification (germline): Uncertain significance (1 of 4 stars; one submission).

Conditions:
Succinate-semialdehyde dehydrogenase deficiency (SSADHD). Also called: 4-HYDROXYBUTYRIC ACIDURIA; Succinic Semialdehyde Dehydrogenase Deficiency; GABA METABOLIC DEFECT; SSADH DEFICIENCY. Identifiers: Orphanet 22, MedGen C0268631, MONDO:0010083, OMIM 271980.

gnomAD v4.1: 2 of 1,614,036 alleles (0.00012%); highest among the groups gnomAD compares: South Asian, 0.0022%; no homozygotes.

Submission:

Labcorp Genetics (formerly Invitae), Labcorp
Classification: Uncertain significance for Succinate-semialdehyde dehydrogenase deficiency. Last evaluated: 2022-07-24. Review status: criteria provided, single submitter. Criteria: Invitae Variant Classification Sherloc (09022015). Collection method: clinical testing. Allele origin: germline.
Comment: This variant has not been reported in the literature in individuals affected with ALDH5A1-related conditions. In summary, the available evidence is currently insufficient to determine the role of this variant in disease. Therefore, it has been classified as a Variant of Uncertain Significance. Advanced modeling of protein sequence and biophysical properties (such as structural, functional, and spatial information, amino acid conservation, physicochemical variation, residue mobility, and thermodynamic stability) performed at Invitae indicates that this missense variant is not expected to disrupt ALDH5A1 protein function. This variant is present in population databases (no rsID available, gnomAD 0.006%). This sequence change replaces leucine, which is neutral and non-polar, with valine, which is neutral and non-polar, at codon 276 of the ALDH5A1 protein (p.Leu276Val).